The following is an entry in ClinVar:

NM_004187.5(KDM5C):c.1025G>A (p.Cys342Tyr)

Gene: KDM5C (lysine demethylase 5C; minus strand). Cytogenetic location: Xp11.22.
Variant type: single nucleotide variant.
Coding change: c.1025G>A on transcript NM_004187.5 (MANE Select); coding-DNA position 1025, G replaced by A.
Protein change: p.Cys342Tyr; replaces cysteine 342 with tyrosine.
Molecular consequence: missense variant. On other transcripts: non-coding transcript variant (3).
Genome position (GRCh38, 1-based): chrX:53,214,786, C>T on the plus strand (G>A on the coding strand, the complement: KDM5C is on the minus strand). VCF-style: chrX-53214786-C-T. GRCh37 (hg19) VCF-style: chrX-53243968-C-T.
Other names: c.824G>A, p.Cys275Tyr (NM_001146702.2); c.1022G>A, p.Cys341Tyr (NM_001282622.3, NM_001353979.2, NM_001353982.2); c.1025G>A, p.Cys342Tyr (NM_001353978.3, NM_001353981.2, NM_001353984.2); short protein forms C275Y, C341Y, C342Y.
Identifiers: ClinVar variation 3377985 (VCV003377985.1).

ClinVar aggregate classification (germline): Uncertain significance (1 of 4 stars; one submission).

Submission:

GeneDx
Classification: Uncertain significance. Last evaluated: 2024-05-17. Review status: criteria provided, single submitter. Criteria: GeneDx Variant Classification Process June 2021. Collection method: clinical testing. Allele origin: germline. Affected: yes.
Comment: Not observed at significant frequency in large population cohorts (gnomAD); In silico analysis supports that this missense variant has a deleterious effect on protein structure/function; Has not been previously published as pathogenic or benign to our knowledge